The following is an entry in ClinVar:

ClinVar aggregate classification (germline): Uncertain significance (1 of 4 stars; one submission).

Submission:

Labcorp Genetics (formerly Invitae), Labcorp
Classification: Uncertain significance. Last evaluated: 2025-01-08. Review status: criteria provided, single submitter. Criteria: Invitae Variant Classification Sherloc (09022015). Collection method: clinical testing. Allele origin: germline.
Comment: This sequence change replaces valine, which is neutral and non-polar, with isoleucine, which is neutral and non-polar, at codon 260 of the POC5 protein (p.Val260Ile). This variant is present in population databases (no rsID available, gnomAD 0.003%). This variant has not been reported in the literature in individuals affected with POC5-related conditions. ClinVar contains an entry for this variant (Variation ID: 2997722). An algorithm developed to predict the effect of missense changes on protein structure and function (PolyPhen-2) suggests that this variant is likely to be tolerated. In summary, the available evidence is currently insufficient to determine the role of this variant in disease. Therefore, it has been classified as a Variant of Uncertain Significance.

NM_001099271.2(POC5):c.778G>A (p.Val260Ile)

Gene: POC5 (POC5 centriolar protein; minus strand). Cytogenetic location: 5q13.3.
Variant type: single nucleotide variant.
Coding change: c.778G>A on transcript NM_001099271.2 (MANE Select); coding-DNA position 778, G replaced by A.
Protein change: p.Val260Ile; replaces valine 260 with isoleucine.
Molecular consequence: missense variant.
Genome position (GRCh38, 1-based): chr5:75,692,413, C>T on the plus strand (G>A on the coding strand, the complement: POC5 is on the minus strand). VCF-style: chr5-75692413-C-T. GRCh37 (hg19) VCF-style: chr5-74988238-C-T.
Other names: c.703G>A, p.Val235Ile (NM_152408.3); short protein forms V260I, V235I.
Identifiers: ClinVar variation 2997722 (VCV002997722.3), dbSNP rs1375977205, ClinGen allele CA360147134.
Genomic context (GRCh38, chr5:75,692,413, plus strand): 5'-AGAAGTCTAACATCCATCAGCTGTCTTCTGCTTTGACACTTACATCCTGTCTGGCTCTGA[C>T]ATGGCCGATTCGCCAGTGGAAGAATGTTCTCATCAACTCTATCTTTTCCTTTTGCTTGCC-3'
Protein context (NP_001092741.1, residues 250-270): RTFFHWRIGH[Val260Ile]RARQDVYEGK